The following is an entry in ClinVar:

ClinVar aggregate classification (germline): Uncertain significance (1 of 4 stars; one submission).

Allele frequency attached by ClinVar (database versions not stated): gnomAD exomes below 0.00001 and 0.00001; ExAC 0.00001.
gnomAD v4.1: 11 of 1,614,164 alleles (0.00068%); highest among the groups gnomAD compares: Non-Finnish European, 0.00093%; no homozygotes.

Submission:

Labcorp Genetics (formerly Invitae), Labcorp
Classification: Uncertain significance. Last evaluated: 2024-07-01. Review status: criteria provided, single submitter. Criteria: Invitae Variant Classification Sherloc (09022015). Collection method: clinical testing. Allele origin: germline.
Comment: This sequence change replaces glutamic acid, which is acidic and polar, with lysine, which is basic and polar, at codon 2775 of the DNAH9 protein (p.Glu2775Lys). This variant is present in population databases (rs754629782, gnomAD 0.0009%). This variant has not been reported in the literature in individuals affected with DNAH9-related conditions. ClinVar contains an entry for this variant (Variation ID: 1379637). Advanced modeling of protein sequence and biophysical properties (such as structural, functional, and spatial information, amino acid conservation, physicochemical variation, residue mobility, and thermodynamic stability) performed at Invitae indicates that this missense variant is not expected to disrupt DNAH9 protein function with a negative predictive value of 80%. In summary, the available evidence is currently insufficient to determine the role of this variant in disease. Therefore, it has been classified as a Variant of Uncertain Significance.

NM_001372.4(DNAH9):c.8323G>A (p.Glu2775Lys)

Gene: DNAH9 (dynein axonemal heavy chain 9; plus strand). Cytogenetic location: 17p12.
Variant type: single nucleotide variant.
Coding change: c.8323G>A on transcript NM_001372.4 (MANE Select); coding-DNA position 8323, G replaced by A.
Protein change: p.Glu2775Lys; replaces glutamic acid 2775 with lysine.
Molecular consequence: missense variant.
Genome position (GRCh38, 1-based): chr17:11,797,696, G>A. VCF-style: chr17-11797696-G-A. GRCh37 (hg19) VCF-style: chr17-11701013-G-A.
Other names: short protein forms E2775K.
Identifiers: ClinVar variation 1379637 (VCV001379637.6), dbSNP rs754629782, ClinGen allele CA8396886.
Genomic context (GRCh38, chr17:11,797,696, plus strand): 5'-CTGTATTGTCACTTTGCAAATGGTATTGGGGAGCCCAAATACATGCCTGTACAGTCTTGG[G>A]AACTTTTGACCCAGACTCTGGTGGAGGCCTTGGAGAACCACAATGAAGTCAACACAGTGA-3'
Protein context (NP_001363.2, residues 2765-2785): EPKYMPVQSW[Glu2775Lys]LLTQTLVEAL